The following is an entry in ClinVar:

NM_153700.2(STRC):c.721C>T (p.Arg241Cys)

Gene: STRC (stereocilin; minus strand). Cytogenetic location: 15q15.3.
Variant type: single nucleotide variant.
Coding change: c.721C>T on transcript NM_153700.2 (MANE Select); coding-DNA position 721, C replaced by T.
Protein change: p.Arg241Cys; replaces arginine 241 with cysteine.
Molecular consequence: missense variant.
Genome position (GRCh38, 1-based): chr15:43,617,700, G>A on the plus strand (C>T on the coding strand, the complement: STRC is on the minus strand). VCF-style: chr15-43617700-G-A. GRCh37 (hg19) VCF-style: chr15-43909898-G-A.
Other names: short protein forms R241C.
Identifiers: ClinVar variation 4981007 (VCV004981007.1).

ClinVar aggregate classification (germline): Uncertain significance (1 of 4 stars; one submission).

Conditions:
STRC-related disorder. Also called: STRC-related condition.

Submission:

PreventionGenetics, part of Exact Sciences
Classification: Uncertain significance for STRC-related condition. Last evaluated: 2026-09-22. Review status: criteria provided, single submitter. Criteria: ACMG Guidelines, 2015. Collection method: clinical testing. Allele origin: germline.
Comment: The STRC c.721C>T variant is predicted to result in the amino acid substitution p.Arg241Cys. To our knowledge, this variant has not been reported in the literature. This variant is reported in 0.29% of alleles in individuals of East Asian descent in gnomAD. At this time, the clinical significance of this variant is uncertain due to the absence of conclusive functional and genetic evidence.